The following is an entry in ClinVar:

NM_000277.3(PAH):c.523C>G (p.Pro175Ala)

Gene: PAH (phenylalanine hydroxylase; minus strand). Cytogenetic location: 12q23.2.
Variant type: single nucleotide variant.
Coding change: c.523C>G on transcript NM_000277.3 (MANE Select); coding-DNA position 523, C replaced by G.
Protein change: p.Pro175Ala; replaces proline 175 with alanine.
Molecular consequence: missense variant.
Genome position (GRCh38, 1-based): chr12:102,855,319, G>C on the plus strand (C>G on the coding strand, the complement: PAH is on the minus strand). VCF-style: chr12-102855319-G-C. GRCh37 (hg19) VCF-style: chr12-103249097-G-C.
Other names: c.523C>G, p.Pro175Ala (NM_001354304.2); short protein forms P175A.
Identifiers: ClinVar variation 102722 (VCV000102722.3), dbSNP rs199475604, ClinGen allele CA229605.
Genomic context (GRCh38, chr12:102,855,319, plus strand): 5'-TCAGAGTCTTGAACACTGTGCCCCATGTTTTCTTTTCTTCCTCCATGTATTCCACTCGAG[G>C]GATGGGCTGCCCACTAGAATACAGGCACAAAATAGGTGTCTCAAGCAGGGCAGGGGCACA-3'
Protein context (NP_000268.1, residues 165-185): AYNYRHGQPI[Pro175Ala]RVEYMEEEKK

ClinVar aggregate classification (germline): Uncertain significance. Review status: reviewed by expert panel (3 of 4 stars). 3 submissions from 3 submitters: Uncertain significance (1). 2 of the submissions do not count toward it. Last evaluated 2020-01-30.

Conditions:
Phenylketonuria (PKU). Also called: Phenylketonuria (PKU); FOLLING DISEASE; OLIGOPHRENIA PHENYLPYRUVICA; Phenylketonurias. Identifiers: Orphanet 716, MedGen C0031485, MONDO:0009861, OMIM 261600. Disease mechanism: loss of function.

Submissions (3):

ClinGen PAH Variant Curation Expert Panel
Classification: Uncertain significance for Phenylketonuria. Last evaluated: 2020-01-30. Review status: reviewed by expert panel. Criteria: ClinGen PAH ACMG Specifications v1. Collection method: curation. Allele origin: germline. Inheritance: Autosomal recessive inheritance.
Comment: It was detected with pathogenic variant p.A104D. This variant is absent from population databases. A deleterious effect is predicted in multiple in silico models. In summary, this variant meets criteria to be classified as uncertain significance for PAH. PAH-specific ACMG/AMP criteria applied: PP4, PM2, PM3_supporting, PP3.

Women's Health and Genetics/Laboratory Corporation of America, LabCorp
Classification: Uncertain significance. Last evaluated: 2025-09-02. Review status: criteria provided, single submitter. Criteria: LabCorp Variant Classification Summary - May 2015. Collection method: clinical testing. Allele origin: germline. Not counted in ClinVar's aggregate classification.
Comment: Variant summary: PAH c.523C>G (p.Pro175Ala) results in a non-conservative amino acid change in the encoded protein sequence. Algorithms developed to predict the effect of missense changes on protein structure and function all suggest that this variant is likely to be disruptive. The variant was absent in 251110 control chromosomes (gnomAD). The available data on variant occurrences in the general population are insufficient to allow any conclusion about variant significance. c.523C>G has been observed in an individual affected with Hyperphenylalaninemia (Guldberg_1996). These data do not allow any conclusion about variant significance. To our knowledge, no experimental evidence demonstrating an impact on protein function has been reported. The following publication has been ascertained in the context of this evaluation (PMID: 8659548). ClinVar contains an entry for this variant (Variation ID: 102722). Based on the evidence outlined above, the variant was classified as uncertain significance.

DeBelle Laboratory for Biochemical Genetics, MUHC/MCH RESEARCH INSTITUTE
No classification provided. Review status: no classification provided. Collection method: not provided. Allele origin: not provided. Not counted in ClinVar's aggregate classification.

Literature cited by the submitters: PubMed 8659548 (cited by ClinGen PAH Variant Curation Expert Panel and Women's Health and Genetics/Laboratory Corporation of America, LabCorp).